The following is an entry in ClinVar:

ClinVar aggregate classification (germline): Uncertain significance (1 of 4 stars; one submission).

Conditions:
Congenital myotonia, autosomal dominant form (THD). Also called: Myotonia congenita autosomal dominant; THOMSEN DISEASE. Identifiers: Orphanet 614, MedGen C2936781, MONDO:0008055, OMIM 160800.
Congenital myotonia, autosomal recessive form. Also called: BECKER DISEASE; myotonia congenita, autosomal recessive; Becker Generalized Myotonia. Identifiers: Orphanet 614, MedGen C0751360, MONDO:0009715, OMIM 255700.

Submission:

Labcorp Genetics (formerly Invitae), Labcorp
Classification: Uncertain significance for Congenital myotonia, autosomal recessive form; Congenital myotonia, autosomal dominant form. Last evaluated: 2023-03-14. Review status: criteria provided, single submitter. Criteria: Invitae Variant Classification Sherloc (09022015). Collection method: clinical testing. Allele origin: germline.
Comment: ClinVar contains an entry for this variant (Variation ID: 21049). This missense change has been observed in individual(s) with myotonia congenita (PMID: 9736777). This variant is not present in population databases (gnomAD no frequency). This sequence change replaces valine, which is neutral and non-polar, with alanine, which is neutral and non-polar, at codon 286 of the CLCN1 protein (p.Val286Ala). In summary, the available evidence is currently insufficient to determine the role of this variant in disease. Therefore, it has been classified as a Variant of Uncertain Significance. Experimental studies have shown that this missense change affects CLCN1 function (PMID: 9736777). Advanced modeling of protein sequence and biophysical properties (such as structural, functional, and spatial information, amino acid conservation, physicochemical variation, residue mobility, and thermodynamic stability) performed at Invitae indicates that this missense variant is expected to disrupt CLCN1 protein function.

Literature cited by the submitters: PubMed 9736777.

NM_000083.3(CLCN1):c.857T>C (p.Val286Ala)

Gene: CLCN1 (chloride voltage-gated channel 1; plus strand). Cytogenetic location: 7q34.
Variant type: single nucleotide variant.
Coding change: c.857T>C on transcript NM_000083.3 (MANE Select); coding-DNA position 857, T replaced by C.
Protein change: p.Val286Ala; replaces valine 286 with alanine.
Molecular consequence: missense variant. On other transcripts: non-coding transcript variant (1).
Genome position (GRCh38, 1-based): chr7:143,330,775, T>C. VCF-style: chr7-143330775-T-C. GRCh37 (hg19) VCF-style: chr7-143027868-T-C.
Other names: short protein forms V286A.
Identifiers: ClinVar variation 21049 (VCV000021049.12), dbSNP rs80356689, ClinGen allele CA341555.